The following is an entry in ClinVar:

NM_001370259.2(MEN1):c.1511T>A (p.Leu504Gln)

Gene: MEN1 (menin 1; minus strand). Cytogenetic location: 11q13.1.
Variant type: single nucleotide variant.
Coding change: c.1511T>A on transcript NM_001370259.2 (MANE Select); coding-DNA position 1511, T replaced by A.
Protein change: p.Leu504Gln; replaces leucine 504 with glutamine.
Molecular consequence: missense variant. On other transcripts: non-coding transcript variant (4).
Genome position (GRCh38, 1-based): chr11:64,804,656, A>T on the plus strand (T>A on the coding strand, the complement: MEN1 is on the minus strand). VCF-style: chr11-64804656-A-T. GRCh37 (hg19) VCF-style: chr11-64572128-A-T.
Other names: c.1526T>A, p.Leu509Gln (NM_000244.4, NM_001407145.1, NM_130800.3 and 4 more transcripts); c.1637T>A, p.Leu546Gln (NM_001370251.2, NM_001407142.1, NM_001407143.1 and 1 more transcripts); c.1511T>A, p.Leu504Gln (NM_001370260.2, NM_001370261.2, NM_001407146.1 and 2 more transcripts); c.1406T>A, p.Leu469Gln (NM_001370262.2, NM_001370263.2, NM_001407148.1 and 1 more transcripts); c.1652T>A, p.Leu551Gln (NM_001407150.1); c.1532T>A, p.Leu511Gln (NM_001407151.1); c.1346T>A, p.Leu449Gln (NM_001407152.1); short protein forms L509Q, L511Q, L469Q, L546Q, L449Q, L504Q, L551Q.
Identifiers: ClinVar variation 3872233 (VCV003872233.1).

ClinVar aggregate classification (germline): Uncertain significance (1 of 4 stars; one submission).

Conditions:
Hereditary cancer-predisposing syndrome. Also called: Tumor predisposition; Neoplastic Syndromes, Hereditary; Hereditary Cancer Syndrome; Hereditary neoplastic syndrome. Identifiers: Orphanet 140162, MedGen C0027672, MeSH D009386, MONDO:0015356.

Submission:

Ambry Genetics
Classification: Uncertain significance for Hereditary cancer-predisposing syndrome. Last evaluated: 2025-01-13. Review status: criteria provided, single submitter. Criteria: Ambry Variant Classification Scheme 2023. Collection method: clinical testing. Allele origin: germline.
Comment: The p.L504Q variant (also known as c.1511T>A), located in coding exon 9 of the MEN1 gene, results from a T to A substitution at nucleotide position 1511. The leucine at codon 504 is replaced by glutamine, an amino acid with dissimilar properties. This amino acid position is conserved. In addition, this alteration is predicted to be tolerated by in silico analysis. Based on the available evidence, the clinical significance of this variant remains unclear.